The following is an entry in ClinVar:

ClinVar aggregate classification (germline): Pathogenic (1 of 4 stars; one submission).

Conditions:
Neurofibromatosis, type 1 (NF1). Also called: VON RECKLINGHAUSEN DISEASE; Peripheral type neurofibromatosis; NEUROFIBROMATOSIS, TYPE I, SOMATIC; Neurofibromatosis, type I. Identifiers: Orphanet 636, MedGen C0027831, MONDO:0018975, OMIM 162200. Disease mechanism: loss of function.

Submission:

Labcorp Genetics (formerly Invitae), Labcorp
Classification: Pathogenic for Neurofibromatosis, type 1. Last evaluated: 2025-03-17. Review status: criteria provided, single submitter. Criteria: Invitae Variant Classification Sherloc (09022015). Collection method: clinical testing. Allele origin: germline.
Comment: This sequence change creates a premature translational stop signal (p.Leu695Valfs*4) in the NF1 gene. It is expected to result in an absent or disrupted protein product. Loss-of-function variants in NF1 are known to be pathogenic (PMID: 10712197, 23913538). This variant is not present in population databases (gnomAD no frequency). This variant has not been reported in the literature in individuals affected with NF1-related conditions. For these reasons, this variant has been classified as Pathogenic.

Literature cited by the submitters: PubMed 10712197; PubMed 23913538.

NM_001042492.3(NF1):c.2083_2084del (p.Leu695fs)

Gene: NF1 (neurofibromin 1; plus strand). Cytogenetic location: 17q11.2.
Variant type: Deletion.
Coding change: c.2083_2084del on transcript NM_001042492.3 (MANE Select); coding-DNA positions 2083 to 2084, 2 bases deleted (CT; older notation c.2083_2084delCT).
Protein change: p.Leu695fs; shifts the reading frame from leucine 695.
Molecular consequence: frameshift variant.
Genome position (GRCh38, 1-based): chr17:31,226,516-31,226,517, CT deleted; deleting any 2 consecutive bases within chr17:31,226,515-31,226,517 gives the same sequence; the c. name uses the placement nearest the transcript's 3' end. VCF-style (leftmost placement, unchanged base first): chr17-31226514-TTC-T. GRCh37 (hg19) VCF-style: chr17-29553532-TTC-T.
Other names: c.2083_2084del, p.Leu695fs (NM_000267.4); short protein forms L695fs.
Identifiers: ClinVar variation 4712690 (VCV004712690.1).